The following is an entry in ClinVar:

NM_002906.4(RDX):c.698+1G>A

Gene: RDX (radixin; minus strand). Cytogenetic location: 11q22.3.
Variant type: single nucleotide variant.
Coding change: c.698+1G>A on transcript NM_002906.4 (MANE Select); the canonical splice donor site of the intron after coding-DNA position 698, G replaced by A.
Molecular consequence: splice donor variant. On other transcripts: intron variant (2).
Genome position (GRCh38, 1-based): chr11:110,257,766, C>T on the plus strand (G>A on the coding strand, the complement: RDX is on the minus strand). VCF-style: chr11-110257766-C-T. GRCh37 (hg19) VCF-style: chr11-110128491-C-T.
Other names: IVS7DS, G-A, +1; c.698+1G>A (NM_001260493.2, NM_001260492.2); c.-82-9933G>A (NM_001260495.2); c.404+391G>A (NM_001260496.2); c.290+1G>A (NM_001260494.2).
Identifiers: ClinVar variation 13187 (VCV000013187.3), dbSNP rs1191259480, ClinGen allele CA382867794.

ClinVar aggregate classification (germline): Likely pathogenic. Review status: criteria provided, single submitter (1 of 4 stars). 2 submissions from 2 submitters: Likely pathogenic (1). 1 of the submissions does not count toward it.

Conditions:
Autosomal recessive nonsyndromic hearing loss 24. Identifiers: Orphanet 90636, MedGen C1970239, MONDO:0012602, OMIM 611022.

Allele frequency attached by ClinVar (database versions not stated): gnomAD 0.00001.
gnomAD v4.1: 1 of 1,611,554 alleles (0.000062%); highest among the groups gnomAD compares: African/African-American, 0.0013%; no homozygotes.

Submissions (2):

Genetics Research Center, University of Social Welfare and Rehabilitation Sciences
Classification: Likely pathogenic for Autosomal recessive nonsyndromic hearing loss 24. Review status: criteria provided, single submitter. Criteria: ACMG Guidelines, 2015. Collection method: research. Allele origin: germline. Affected: yes.
Comment: The variant is present in the gnomAD v2.1.1 dataset at a very low allele frequency (0.003%) and has been previously reported in individual(s) affected with RDX-related hearing loss (PMID:19215054, 31250571). It has also been observed to segregate with disease in related individuals. RNA splicing prediction tools suggest that this variant may cause an aberrant splice site leading to an abnormal or absent protein.

OMIM
Classification: Pathogenic for DEAFNESS, AUTOSOMAL RECESSIVE, 24. Last evaluated: 2009-03-01. Review status: no assertion criteria provided. Collection method: literature only. Allele origin: germline. Not counted in ClinVar's aggregate classification.

Literature cited by the submitters: PubMed 19215054 (cited by Genetics Research Center, University of Social Welfare and Rehabilitation Sciences and OMIM); PubMed 31250571 (cited by Genetics Research Center, University of Social Welfare and Rehabilitation Sciences).